The following is an entry in ClinVar:

ClinVar aggregate classification (germline): Uncertain significance (1 of 4 stars; one submission).

Conditions:
Hypoplastic aortic arch. Also called: Aortic arch hypoplasia. Identifiers: MedGen C0265881, HP:0012304.
Polycystic kidney disease. Also called: Polycystic kidney dysplasia; Kidney, Polycystic. Identifiers: MedGen C0022680, MeSH D007690, MONDO:0020642, HP:0000113.

Submission:

Centre of Medical Genetics, University Hospital Muenster
Classification: Uncertain significance for Polycystic kidney disease; Hypoplastic aortic arch. Last evaluated: 2021-12-13. Review status: criteria provided, single submitter. Criteria: ACMG Guidelines, 2015. Collection method: clinical testing. Allele origin: germline. Affected: yes. Observed: 1 variant allele, 1 heterozygote.
Comment: ACMG categories: PM2,PP3

NM_138694.4(PKHD1):c.5831A>G (p.Asp1944Gly)

Gene: PKHD1 (PKHD1 ciliary IPT domain containing fibrocystin/polyductin; minus strand). Cytogenetic location: 6p12.2.
Variant type: single nucleotide variant.
Coding change: c.5831A>G on transcript NM_138694.4 (MANE Select); coding-DNA position 5831, A replaced by G.
Protein change: p.Asp1944Gly; replaces aspartic acid 1944 with glycine.
Molecular consequence: missense variant.
Genome position (GRCh38, 1-based): chr6:51,959,947, T>C on the plus strand (A>G on the coding strand, the complement: PKHD1 is on the minus strand). VCF-style: chr6-51959947-T-C. GRCh37 (hg19) VCF-style: chr6-51824745-T-C.
Other names: c.5831A>G, p.Asp1944Gly (NM_170724.3); short protein forms D1944G.
Identifiers: ClinVar variation 1330153 (VCV001330153.2), dbSNP rs2127946960, ClinGen allele CA364421511.